The following is an entry in ClinVar:

NM_213599.3(ANO5):c.1965G>A (p.Trp655Ter)

Gene: ANO5 (anoctamin 5; plus strand). Cytogenetic location: 11p14.3.
Variant type: single nucleotide variant.
Coding change: c.1965G>A on transcript NM_213599.3 (MANE Select); coding-DNA position 1965, G replaced by A.
Protein change: p.Trp655Ter; replaces tryptophan 655 with a stop codon.
Molecular consequence: nonsense.
Genome position (GRCh38, 1-based): chr11:22,270,378, G>A. VCF-style: chr11-22270378-G-A. GRCh37 (hg19) VCF-style: chr11-22291924-G-A.
Other names: p.Trp655*; c.1962G>A, p.Trp654Ter (NM_001142649.2); c.1923G>A, p.Trp641Ter (NM_001410963.1); c.1920G>A, p.Trp640Ter (NM_001410964.1); short protein forms W640*, W641*, W655*, W654*.
Identifiers: ClinVar variation 2043922 (VCV002043922.5), dbSNP rs760137559, ClinGen allele CA379923362.

ClinVar aggregate classification (germline): Pathogenic/Likely pathogenic. Review status: criteria provided, multiple submitters, no conflicts (2 of 4 stars). 2 submissions from 2 submitters: Pathogenic (1); Likely pathogenic (1). Last evaluated 2025-01-06.

Conditions:
Gnathodiaphyseal dysplasia (GDD). Also called: GNATHODIAPHYSEAL SCLEROSIS; OSTEOGENESIS IMPERFECTA WITH UNUSUAL SKELETAL LESIONS. Identifiers: Orphanet 53697, MedGen C1833736, MONDO:0008151, OMIM 166260.
Autosomal recessive limb-girdle muscular dystrophy type 2L (LGMDR12). Also called: MUSCULAR DYSTROPHY, LIMB-GIRDLE, AUTOSOMAL RECESSIVE 12; Limb-girdle muscular dystrophy, type 2L; Limb-Girdle Muscular Dystrophy R12 Anoctamin-5-Related (LGMD-R12). Identifiers: Orphanet 206549, MedGen C1969785, MONDO:0012652, OMIM 611307.

gnomAD v4.1: 2 of 1,614,118 alleles (0.00012%); highest among the groups gnomAD compares: Non-Finnish European, 0.00017%; no homozygotes.

Submissions (2):

Labcorp Genetics (formerly Invitae), Labcorp
Classification: Pathogenic for Autosomal recessive limb-girdle muscular dystrophy type 2L; Gnathodiaphyseal dysplasia. Last evaluated: 2025-01-06. Review status: criteria provided, single submitter. Criteria: Invitae Variant Classification Sherloc (09022015). Collection method: clinical testing. Allele origin: germline.
Comment: This sequence change creates a premature translational stop signal (p.Trp655*) in the ANO5 gene. It is expected to result in an absent or disrupted protein product. Loss-of-function variants in ANO5 are known to be pathogenic (PMID: 21186264, 23606453, 25891276, 30919934). This variant is present in population databases (no rsID available, gnomAD 0.0009%). This variant has not been reported in the literature in individuals affected with ANO5-related conditions. ClinVar contains an entry for this variant (Variation ID: 2043922). For these reasons, this variant has been classified as Pathogenic.

Mayo Clinic Laboratories, Mayo Clinic
Classification: Likely pathogenic. Last evaluated: 2023-11-01. Review status: criteria provided, single submitter. Criteria: ACMG Guidelines, 2015. Collection method: clinical testing. Allele origin: germline. Observed: 1 variant allele.
Comment: PM2_moderate, PVS1

Literature cited by the submitters: PubMed 21186264 (cited by Labcorp Genetics (formerly Invitae), Labcorp); PubMed 23606453 (cited by Labcorp Genetics (formerly Invitae), Labcorp); PubMed 25891276 (cited by Labcorp Genetics (formerly Invitae), Labcorp); PubMed 30919934 (cited by Labcorp Genetics (formerly Invitae), Labcorp).